The following is an entry in ClinVar:

NM_001142864.4(PIEZO1):c.4784G>A (p.Gly1595Asp)

Gene: PIEZO1 (piezo type mechanosensitive ion channel component 1 (Er blood group); minus strand). Cytogenetic location: 16q24.3.
Variant type: single nucleotide variant.
Coding change: c.4784G>A on transcript NM_001142864.4 (MANE Select); coding-DNA position 4784, G replaced by A.
Protein change: p.Gly1595Asp; replaces glycine 1595 with aspartic acid.
Molecular consequence: missense variant.
Genome position (GRCh38, 1-based): chr16:88,722,389, C>T on the plus strand (G>A on the coding strand, the complement: PIEZO1 is on the minus strand). VCF-style: chr16-88722389-C-T. GRCh37 (hg19) VCF-style: chr16-88788797-C-T.
Other names: c.3326G>A, p.Gly1109Asp (NM_014745.1); c.4784G>A (NM_001142864.2); short protein forms G1109D, G1595D.
Identifiers: ClinVar variation 2434744 (VCV002434744.4), dbSNP rs1484557750, ClinGen allele CA397094748.

ClinVar aggregate classification (germline): Uncertain significance. Review status: criteria provided, multiple submitters, no conflicts (2 of 4 stars). 2 submissions from 2 submitters: Uncertain significance (2). Last evaluated 2023-03-24.

Allele frequency attached by ClinVar (database versions not stated): gnomAD exomes below 0.00001.

Submissions (2):

GeneDx
Classification: Uncertain significance. Last evaluated: 2023-03-24. Review status: criteria provided, single submitter. Criteria: GeneDx Variant Classification Process June 2021. Collection method: clinical testing. Allele origin: germline. Affected: yes.
Comment: In silico analysis supports that this missense variant has a deleterious effect on protein structure/function; Has not been previously published as pathogenic or benign to our knowledge

Revvity Omics, Revvity
Classification: Uncertain significance. Last evaluated: 2022-11-14. Review status: criteria provided, single submitter. Criteria: ACMG Guidelines, 2015. Collection method: clinical testing. Allele origin: germline.